The following is an entry in ClinVar:

NM_001378454.1(ALMS1):c.7387G>T (p.Glu2463Ter)

Gene: ALMS1 (ALMS1 centrosome and basal body associated protein; plus strand). Cytogenetic location: 2p13.1.
Variant type: single nucleotide variant.
Coding change: c.7387G>T on transcript NM_001378454.1 (MANE Select); coding-DNA position 7387, G replaced by T.
Protein change: p.Glu2463Ter; replaces glutamic acid 2463 with a stop codon.
Molecular consequence: nonsense.
Genome position (GRCh38, 1-based): chr2:73,453,914, G>T. VCF-style: chr2-73453914-G-T. GRCh37 (hg19) VCF-style: chr2-73681041-G-T.
Other names: c.7390G>T, p.Glu2464Ter (NM_015120.4); short protein forms E2463*, E2464*.
Identifiers: ClinVar variation 3613637 (VCV003613637.2).

ClinVar aggregate classification (germline): Pathogenic (1 of 4 stars; one submission).

Conditions:
Alstrom syndrome (ALMS). Identifiers: Orphanet 64, MedGen C0268425, MONDO:0008763, OMIM 203800.

Submission:

Labcorp Genetics (formerly Invitae), Labcorp
Classification: Pathogenic for Alstrom syndrome. Last evaluated: 2024-03-21. Review status: criteria provided, single submitter. Criteria: Invitae Variant Classification Sherloc (09022015). Collection method: clinical testing. Allele origin: germline.
Comment: This sequence change creates a premature translational stop signal (p.Glu2464*) in the ALMS1 gene. It is expected to result in an absent or disrupted protein product. Loss-of-function variants in ALMS1 are known to be pathogenic (PMID: 17594715). This variant is not present in population databases (gnomAD no frequency). This premature translational stop signal has been observed in individual(s) with Alstorm disease (PMID: 31980526). Algorithms developed to predict the effect of sequence changes on RNA splicing suggest that this variant may disrupt the consensus splice site. For these reasons, this variant has been classified as Pathogenic.

Literature cited by the submitters: PubMed 17594715; PubMed 31980526.